The following is an entry in ClinVar:

ClinVar aggregate classification (germline): Uncertain significance. Review status: criteria provided, multiple submitters, no conflicts (2 of 4 stars). 4 submissions from 4 submitters: Uncertain significance (3). 1 of the submissions does not count toward it. Last evaluated 2025-07-21.

Conditions:
Fanconi anemia complementation group A (FANCA). Also called: FANCA-Related Fanconi Anemia; Fanconi anemia, group A. Identifiers: Orphanet 84, MedGen C3469521, MONDO:0009215, OMIM 227650.
Fanconi anemia (FA). Also called: Fanconi's anemia. Identifiers: Orphanet 84, MedGen C0015625, MeSH D005199, MONDO:0019391.

Allele frequency attached by ClinVar (database versions not stated): ExAC 0.00001; gnomAD 0.00001; gnomAD exomes 0.00001; TOPMed 0.00002.
gnomAD v4.1: 14 of 1,614,022 alleles (0.00087%); highest among the groups gnomAD compares: Middle Eastern, 0.016%; no homozygotes.

Submissions (4):

Labcorp Genetics (formerly Invitae), Labcorp
Classification: Uncertain significance for Fanconi anemia. Last evaluated: 2025-07-21. Review status: criteria provided, single submitter. Criteria: Invitae Variant Classification Sherloc (09022015). Collection method: clinical testing. Allele origin: germline.
Comment: This sequence change replaces alanine, which is neutral and non-polar, with threonine, which is neutral and polar, at codon 1233 of the FANCA protein (p.Ala1233Thr). This variant is present in population databases (rs751899346, gnomAD 0.003%). This variant has not been reported in the literature in individuals affected with FANCA-related conditions. ClinVar contains an entry for this variant (Variation ID: 971638). Invitae Evidence Modeling of protein sequence and biophysical properties (such as structural, functional, and spatial information, amino acid conservation, physicochemical variation, residue mobility, and thermodynamic stability) indicates that this missense variant is not expected to disrupt FANCA protein function with a negative predictive value of 95%. In summary, the available evidence is currently insufficient to determine the role of this variant in disease. Therefore, it has been classified as a Variant of Uncertain Significance.

Fulgent Genetics
Classification: Uncertain significance for Fanconi anemia complementation group A. Last evaluated: 2024-05-01. Review status: criteria provided, single submitter. Criteria: ACMG Guidelines, 2015. Collection method: clinical testing. Allele origin: germline.

Genome-Nilou Lab
Classification: Uncertain significance for Fanconi anemia complementation group A. Last evaluated: 2021-07-14. Review status: criteria provided, single submitter. Criteria: ACMG Guidelines, 2015. Collection method: clinical testing. Allele origin: germline. Affected: no.

Natera, Inc.
Classification: Uncertain significance for Fanconi anemia. Last evaluated: 2020-02-26. Review status: no assertion criteria provided. Collection method: clinical testing. Allele origin: germline. Not counted in ClinVar's aggregate classification.

NM_000135.4(FANCA):c.3697G>A (p.Ala1233Thr)

Gene: FANCA (FA complementation group A; minus strand). Cytogenetic location: 16q24.3.
Variant type: single nucleotide variant.
Coding change: c.3697G>A on transcript NM_000135.4 (MANE Select); coding-DNA position 3697, G replaced by A.
Protein change: p.Ala1233Thr; replaces alanine 1233 with threonine.
Molecular consequence: missense variant.
Genome position (GRCh38, 1-based): chr16:89,742,868, C>T on the plus strand (G>A on the coding strand, the complement: FANCA is on the minus strand). VCF-style: chr16-89742868-C-T. GRCh37 (hg19) VCF-style: chr16-89809276-C-T.
Other names: c.3697G>A, p.Ala1233Thr (NM_001286167.3); short protein forms A1233T.
Identifiers: ClinVar variation 971638 (VCV000971638.13), dbSNP rs751899346, ClinGen allele CA8251018.
Genomic context (GRCh38, chr16:89,742,868, plus strand): 5'-TCTCGCAGTCCAGCTTCTTTAGCTGCTTCCTGATGTTTTCTTCCCTGACTTGTTGAATCG[C>T]AAAGTGCAGTGCAGCAGCTGAGAGCCAGTCCGGGTTGGGTGCTGGGGAGGCAGCCTCAGG-3'
Protein context (NP_000126.2, residues 1223-1243): DWLSAAALHF[Ala1233Thr]IQQVREENIR